The following is an entry in ClinVar:

NM_001377142.1(PLCB4):c.558C>T (p.Leu186=)

Gene: PLCB4 (phospholipase C beta 4; plus strand). Cytogenetic location: 20p12.2.
Variant type: single nucleotide variant.
Coding change: c.558C>T on transcript NM_001377142.1 (MANE Select); coding-DNA position 558, C replaced by T.
Protein change: p.Leu186=; no amino-acid change (leucine 186 retained).
Molecular consequence: synonymous variant.
Genome position (GRCh38, 1-based): chr20:9,371,268, C>T. VCF-style: chr20-9371268-C-T. GRCh37 (hg19) VCF-style: chr20-9351915-C-T.
Other names: c.558C>T, p.Leu186= (NM_000933.4, NM_001172646.2, NM_001377134.2 and 4 more transcripts).
Identifiers: ClinVar variation 3053813 (VCV003053813.2), dbSNP rs755034438, ClinGen allele CA9760857.

ClinVar aggregate classification (germline): Likely benign (0 of 4 stars; one submission).

Conditions:
PLCB4-related disorder. Also called: PLCB4-related condition.

Allele frequency attached by ClinVar (database versions not stated): ExAC 0.00013; gnomAD 0.00013; TOPMed 0.00013; gnomAD exomes 0.00020.
gnomAD v4.1: 307 of 1,607,582 alleles (0.019%); highest among the groups gnomAD compares: Non-Finnish European, 0.025%; 1 homozygote.

Submission:

PreventionGenetics, part of Exact Sciences
Classification: Likely benign for PLCB4-related condition. Last evaluated: 2019-09-04. Review status: no assertion criteria provided. Collection method: clinical testing. Allele origin: germline.
Comment: This variant is classified as likely benign based on ACMG/AMP sequence variant interpretation guidelines (Richards et al. 2015 PMID: 25741868, with internal and published modifications).